The following is an entry in ClinVar:

NM_002691.4(POLD1):c.758+4C>T

Gene: POLD1 (DNA polymerase delta 1, catalytic subunit; plus strand). Cytogenetic location: 19q13.33.
Variant type: single nucleotide variant.
Coding change: c.758+4C>T on transcript NM_002691.4 (MANE Select); 4 bases into the intron after coding-DNA position 758, C replaced by T.
Molecular consequence: intron variant.
Genome position (GRCh38, 1-based): chr19:50,402,377, C>T. VCF-style: chr19-50402377-C-T. GRCh37 (hg19) VCF-style: chr19-50905634-C-T.
Other names: c.758+4C>T (LRG_785t2, LRG_785t1, NM_001256849.1 and 1 more transcripts).
Identifiers: ClinVar variation 386810 (VCV000386810.17), dbSNP rs771346692, ClinGen allele CA9595880.

ClinVar aggregate classification (germline): Conflicting classifications of pathogenicity. Review status: criteria provided, conflicting classifications (1 of 4 stars). 4 submissions from 4 submitters: Uncertain significance (1); Likely benign (2). 1 of the submissions does not count toward it. Last evaluated 2025-07-01.

Conditions:
Hereditary cancer-predisposing syndrome. Also called: Neoplastic Syndromes, Hereditary; Hereditary neoplastic syndrome; Hereditary Cancer Syndrome; Tumor predisposition. Identifiers: Orphanet 140162, MedGen C0027672, MeSH D009386, MONDO:0015356.
POLD1-related polyposis and colorectal cancer syndrome (CRCS10). Also called: Colorectal cancer, susceptibility to, 10; Colorectal cancer 10; COLORECTAL CANCER, SUSCEPTIBILITY TO, ON CHROMOSOME 19q. Identifiers: Orphanet 220460, MedGen C2675481, MONDO:0012953, OMIM 612591.
POLD1-related disorder. Also called: POLD1-related disorders; POLD1-related condition.

Allele frequency attached by ClinVar (database versions not stated): TOPMed below 0.00001; gnomAD 0.00001.
gnomAD v4.1: 44 of 1,612,566 alleles (0.0027%); highest among the groups gnomAD compares: Non-Finnish European, 0.0034%; no homozygotes.

Submissions (4):

Labcorp Genetics (formerly Invitae), Labcorp
Classification: Likely benign for POLD1-related polyposis and colorectal cancer syndrome. Last evaluated: 2025-07-01. Review status: criteria provided, single submitter. Criteria: Invitae Variant Classification Sherloc (09022015). Collection method: clinical testing. Allele origin: germline.

Ambry Genetics
Classification: Uncertain significance for Hereditary cancer-predisposing syndrome. Last evaluated: 2024-12-17. Review status: criteria provided, single submitter. Criteria: Ambry Variant Classification Scheme 2023. Collection method: clinical testing. Allele origin: germline.
Comment: The c.758+4C>T intronic variant results from a C to T substitution 4 nucleotides after coding exon 5 in the POLD1 gene. This nucleotide position is poorly conserved in available vertebrate species. In silico splice site analysis predicts that this alteration will not have any significant effect on splicing. Based on the available evidence, the clinical significance of this variant remains unclear.

GeneDx
Classification: Likely benign. Last evaluated: 2019-03-19. Review status: criteria provided, single submitter. Criteria: GeneDx Variant Classification Process June 2021. Collection method: clinical testing. Allele origin: germline. Affected: yes.

PreventionGenetics, part of Exact Sciences
Classification: Likely benign for POLD1-related condition. Last evaluated: 2023-08-09. Review status: no assertion criteria provided. Collection method: clinical testing. Allele origin: germline. Not counted in ClinVar's aggregate classification.
Comment: This variant is classified as likely benign based on ACMG/AMP sequence variant interpretation guidelines (Richards et al. 2015 PMID: 25741868, with internal and published modifications).